The following is an entry in ClinVar:

NM_002471.4(MYH6):c.2846G>A (p.Cys949Tyr)

Gene: MYH6 (myosin heavy chain 6; minus strand). Cytogenetic location: 14q11.2.
Variant type: single nucleotide variant.
Coding change: c.2846G>A on transcript NM_002471.4 (MANE Select); coding-DNA position 2846, G replaced by A.
Protein change: p.Cys949Tyr; replaces cysteine 949 with tyrosine.
Molecular consequence: missense variant.
Genome position (GRCh38, 1-based): chr14:23,393,748, C>T on the plus strand (G>A on the coding strand, the complement: MYH6 is on the minus strand). VCF-style: chr14-23393748-C-T. GRCh37 (hg19) VCF-style: chr14-23862957-C-T.
Other names: short protein forms C949Y.
Identifiers: ClinVar variation 2717850 (VCV002717850.8), dbSNP rs148234492, ClinGen allele CA7115364.

ClinVar aggregate classification (germline): Uncertain significance. Review status: criteria provided, multiple submitters, no conflicts (2 of 4 stars). 4 submissions from 4 submitters: Uncertain significance (4). Last evaluated 2026-01-20.

Conditions:
MYH6-related disorder. Also called: MYH6-related condition; MYH6-Related Disorders.
Hypertrophic cardiomyopathy 14. Identifiers: MedGen C2750467, MONDO:0013197, OMIM 613251.
Cardiovascular phenotype. Identifiers: MedGen CN230736.

Allele frequency attached by ClinVar (database versions not stated): gnomAD exomes below 0.00001; ExAC 0.00001; gnomAD 0.00003; TOPMed 0.00003; ESP Exome Variant Server 0.00023.

Submissions (4):

GeneDx
Classification: Uncertain significance. Last evaluated: 2026-01-20. Review status: criteria provided, single submitter. Criteria: GeneDx Variant Classification Process June 2021. Collection method: clinical testing. Allele origin: germline.
Comment: Not observed at significant frequency in large population cohorts (gnomAD); In silico analysis supports that this missense variant has a deleterious effect on protein structure/function; Has not been previously published as pathogenic or benign to our knowledge

PreventionGenetics, part of Exact Sciences
Classification: Uncertain significance for MYH6-related condition. Last evaluated: 2025-11-25. Review status: criteria provided, single submitter. Criteria: ACMG Guidelines, 2015. Collection method: clinical testing. Allele origin: germline.
Comment: The MYH6 c.2846G>A variant is predicted to result in the amino acid substitution p.Cys949Tyr. To our knowledge, this variant has not been reported in the literature. This variant is reported in 0.016% of alleles in individuals of African descent in gnomAD. At this time, the clinical significance of this variant is uncertain due to the absence of conclusive functional and genetic evidence.

Ambry Genetics
Classification: Uncertain significance for Cardiovascular phenotype. Last evaluated: 2025-09-25. Review status: criteria provided, single submitter. Criteria: Ambry Variant Classification Scheme 2023. Collection method: clinical testing. Allele origin: germline.

Labcorp Genetics (formerly Invitae), Labcorp
Classification: Uncertain significance for Hypertrophic cardiomyopathy 14. Last evaluated: 2024-07-23. Review status: criteria provided, single submitter. Criteria: Invitae Variant Classification Sherloc (09022015). Collection method: clinical testing. Allele origin: germline.
Comment: This sequence change replaces cysteine, which is neutral and slightly polar, with tyrosine, which is neutral and polar, at codon 949 of the MYH6 protein (p.Cys949Tyr). This variant is present in population databases (rs148234492, gnomAD 0.008%). This variant has not been reported in the literature in individuals affected with MYH6-related conditions. Advanced modeling of protein sequence and biophysical properties (such as structural, functional, and spatial information, amino acid conservation, physicochemical variation, residue mobility, and thermodynamic stability) performed at Invitae indicates that this missense variant is expected to disrupt MYH6 protein function with a positive predictive value of 80%. In summary, the available evidence is currently insufficient to determine the role of this variant in disease. Therefore, it has been classified as a Variant of Uncertain Significance.